The following is an entry in ClinVar:

NM_005148.4(UNC119):c.*362C>G

Gene: UNC119 (unc-119 lipid binding chaperone; minus strand). Cytogenetic location: 17q11.2.
Variant type: single nucleotide variant.
Coding change: c.*362C>G on transcript NM_005148.4 (MANE Select); 362 bases downstream of the stop codon, C replaced by G.
Molecular consequence: 3 prime UTR variant.
Genome position (GRCh38, 1-based): chr17:28,546,935, G>C on the plus strand (C>G on the coding strand, the complement: UNC119 is on the minus strand). VCF-style: chr17-28546935-G-C. GRCh37 (hg19) VCF-style: chr17-26873953-G-C.
Other names: c.*362C>G (NM_001330166.2); c.*689C>G (NM_054035.2).
Identifiers: ClinVar variation 322452 (VCV000322452.5), dbSNP rs73278545, ClinGen allele CA10645221.
Genomic context (GRCh38, chr17:28,546,935, plus strand): 5'-TGGAGCCCACCGTGGATCTTTGTAAATTTACAACTCTAAATGGCCTGAAGGTAGTGGGCA[G>C]GGGACAGGGAATGGATCCCTGCCTGATCTAGTCACAGCCTTGATAGGGGAACACTATTCT-3'

ClinVar aggregate classification (germline): Benign (1 of 4 stars; one submission).

Conditions:
Cone-rod dystrophy. Also called: Cone/cone-rod dystrophy; Cone-rod degeneration. Identifiers: Orphanet 1872, MedGen C4085590, MONDO:0015993, HP:0000548.

Allele frequency attached by ClinVar (database versions not stated): gnomAD 0.00289 and 0.00312; 1000 Genomes Project 0.00339; TOPMed 0.00340; 1000 Genomes Project 30x 0.00375; gnomAD exomes 0.00036.

Submission:

Illumina Laboratory Services, Illumina
Classification: Benign for Cone-rod dystrophy. Last evaluated: 2018-01-12. Review status: criteria provided, single submitter. Criteria: ICSL Variant Classification Criteria 13 December 2019. Collection method: clinical testing. Allele origin: germline.
Comment: This variant was observed in the ICSL laboratory as part of a predisposition screen in an ostensibly healthy population. It had not been previously curated by ICSL or reported in the Human Gene Mutation Database (HGMD: prior to June 1st, 2018), and was therefore a candidate for classification through an automated scoring system. Utilizing variant allele frequency, disease prevalence and penetrance estimates, and inheritance mode, an automated score was calculated to assess if this variant is too frequent to cause the disease. Based on the score and internal cut-off values, a variant classified as benign is not then subjected to further curation. The score for this variant resulted in a classification of benign for this disease.